The following is an entry in ClinVar:

ClinVar aggregate classification (germline): Likely benign. Review status: criteria provided, multiple submitters, no conflicts (2 of 4 stars). 3 submissions from 3 submitters: Likely benign (2). 1 of the submissions does not count toward it. Last evaluated 2021-08-24.

Conditions:
POLD1-related polyposis and colorectal cancer syndrome (CRCS10). Also called: Colorectal cancer, susceptibility to, 10; Colorectal cancer 10; COLORECTAL CANCER, SUSCEPTIBILITY TO, ON CHROMOSOME 19q. Identifiers: Orphanet 220460, MedGen C2675481, MONDO:0012953, OMIM 612591.
Hereditary cancer-predisposing syndrome. Also called: Hereditary neoplastic syndrome; Neoplastic Syndromes, Hereditary; Tumor predisposition; Hereditary Cancer Syndrome. Identifiers: Orphanet 140162, MedGen C0027672, MeSH D009386, MONDO:0015356.
POLD1-related disorder. Also called: POLD1-related disorders; POLD1-related condition.

Submissions (3):

Ambry Genetics
Classification: Likely benign for Hereditary cancer-predisposing syndrome. Last evaluated: 2021-08-24. Review status: criteria provided, single submitter. Criteria: Ambry Variant Classification Scheme 2023. Collection method: clinical testing. Allele origin: germline.

Labcorp Genetics (formerly Invitae), Labcorp
Classification: Likely benign for POLD1-related polyposis and colorectal cancer syndrome. Last evaluated: 2021-02-13. Review status: criteria provided, single submitter. Criteria: Invitae Variant Classification Sherloc (09022015). Collection method: clinical testing. Allele origin: germline.

PreventionGenetics, part of Exact Sciences
Classification: Likely benign for POLD1-related condition. Last evaluated: 2024-04-18. Review status: no assertion criteria provided. Collection method: clinical testing. Allele origin: germline. Not counted in ClinVar's aggregate classification.
Comment: This variant is classified as likely benign based on ACMG/AMP sequence variant interpretation guidelines (Richards et al. 2015 PMID: 25741868, with internal and published modifications).

NM_002691.4(POLD1):c.118C>T (p.Leu40=)

Gene: POLD1 (DNA polymerase delta 1, catalytic subunit; plus strand). Cytogenetic location: 19q13.33.
Variant type: single nucleotide variant.
Coding change: c.118C>T on transcript NM_002691.4 (MANE Select); coding-DNA position 118, C replaced by T.
Protein change: p.Leu40=; no amino-acid change (leucine 40 retained).
Molecular consequence: synonymous variant. On other transcripts: non-coding transcript variant (1).
Genome position (GRCh38, 1-based): chr19:50,398,969, C>T. VCF-style: chr19-50398969-C-T. GRCh37 (hg19) VCF-style: chr19-50902226-C-T.
Other names: c.118C>T, p.Leu40= (NM_001256849.1, NM_001308632.1); c.118C>T (NM_002691.3).
Identifiers: ClinVar variation 1149843 (VCV001149843.12), dbSNP rs1201454948, ClinGen allele CA508180357.